The following is an entry in ClinVar:

NM_152383.5(DIS3L2):c.1978G>A (p.Val660Met)

Gene: DIS3L2 (DIS3 like 3'-5' exoribonuclease 2; plus strand). Cytogenetic location: 2q37.1.
Variant type: single nucleotide variant.
Coding change: c.1978G>A on transcript NM_152383.5 (MANE Select); coding-DNA position 1978, G replaced by A.
Protein change: p.Val660Met; replaces valine 660 with methionine.
Molecular consequence: missense variant. On other transcripts: non-coding transcript variant (2), intron variant (1).
Genome position (GRCh38, 1-based): chr2:232,330,744, G>A. VCF-style: chr2-232330744-G-A. GRCh37 (hg19) VCF-style: chr2-233195454-G-A.
Other names: c.1582-12601G>A (NM_001257281.2); short protein forms V660M.
Identifiers: ClinVar variation 652654 (VCV000652654.1), dbSNP rs1575024070, ClinGen allele CA350976672.

ClinVar aggregate classification (germline): Uncertain significance (1 of 4 stars; one submission).

Conditions:
Perlman syndrome (PRLMNS). Identifiers: Orphanet 2849, MedGen C0796113, MONDO:0009965, OMIM 267000.

Submission:

Labcorp Genetics (formerly Invitae), Labcorp
Classification: Uncertain significance for Renal hamartomas nephroblastomatosis and fetal gigantism. Last evaluated: 2018-12-26. Review status: criteria provided, single submitter. Criteria: Invitae Variant Classification Sherloc (09022015). Collection method: clinical testing. Allele origin: germline.
Comment: This sequence change replaces valine with methionine at codon 660 of the DIS3L2 protein (p.Val660Met). The valine residue is highly conserved and there is a small physicochemical difference between valine and methionine. This variant is not present in population databases (ExAC no frequency). This variant has not been reported in the literature in individuals with DIS3L2-related conditions. Algorithms developed to predict the effect of missense changes on protein structure and function are either unavailable or do not agree on the potential impact of this missense change (SIFT: "Deleterious"; PolyPhen-2: "Probably Damaging"; Align-GVGD: "Class C0"). In summary, the available evidence is currently insufficient to determine the role of this variant in disease. Therefore, it has been classified as a Variant of Uncertain Significance.